The following is an entry in ClinVar:

NM_213599.3(ANO5):c.436G>A (p.Val146Ile)

Gene: ANO5 (anoctamin 5; plus strand). Cytogenetic location: 11p14.3.
Variant type: single nucleotide variant.
Coding change: c.436G>A on transcript NM_213599.3 (MANE Select); coding-DNA position 436, G replaced by A.
Protein change: p.Val146Ile; replaces valine 146 with isoleucine.
Molecular consequence: missense variant.
Genome position (GRCh38, 1-based): chr11:22,227,374, G>A. VCF-style: chr11-22227374-G-A. GRCh37 (hg19) VCF-style: chr11-22248920-G-A.
Other names: c.433G>A, p.Val145Ile (NM_001142649.2); short protein forms V145I, V146I.
Identifiers: ClinVar variation 651921 (VCV000651921.11), dbSNP rs1396031481, ClinGen allele CA379919557.

ClinVar aggregate classification (germline): Uncertain significance. Review status: criteria provided, multiple submitters, no conflicts (2 of 4 stars). 2 submissions from 2 submitters: Uncertain significance (2). Last evaluated 2024-09-01.

Conditions:
Autosomal recessive limb-girdle muscular dystrophy type 2L (LGMDR12). Also called: Limb-girdle muscular dystrophy, type 2L; Limb-Girdle Muscular Dystrophy R12 Anoctamin-5-Related (LGMD-R12); MUSCULAR DYSTROPHY, LIMB-GIRDLE, AUTOSOMAL RECESSIVE 12. Identifiers: Orphanet 206549, MedGen C1969785, MONDO:0012652, OMIM 611307.
Gnathodiaphyseal dysplasia (GDD). Also called: GNATHODIAPHYSEAL SCLEROSIS; OSTEOGENESIS IMPERFECTA WITH UNUSUAL SKELETAL LESIONS. Identifiers: Orphanet 53697, MedGen C1833736, MONDO:0008151, OMIM 166260.

Allele frequency attached by ClinVar (database versions not stated): gnomAD 0.00001; gnomAD exomes 0.00001; TOPMed 0.00001.
gnomAD v4.1: 17 of 1,613,408 alleles (0.0011%); highest among the groups gnomAD compares: Non-Finnish European, 0.0014%; no homozygotes.

Submissions (2):

Labcorp Genetics (formerly Invitae), Labcorp
Classification: Uncertain significance for Autosomal recessive limb-girdle muscular dystrophy type 2L; Gnathodiaphyseal dysplasia. Last evaluated: 2024-09-01. Review status: criteria provided, single submitter. Criteria: Invitae Variant Classification Sherloc (09022015). Collection method: clinical testing. Allele origin: germline.
Comment: This sequence change replaces valine, which is neutral and non-polar, with isoleucine, which is neutral and non-polar, at codon 146 of the ANO5 protein (p.Val146Ile). This variant is present in population databases (no rsID available, gnomAD 0.007%). This variant has not been reported in the literature in individuals affected with ANO5-related conditions. ClinVar contains an entry for this variant (Variation ID: 651921). Invitae Evidence Modeling of protein sequence and biophysical properties (such as structural, functional, and spatial information, amino acid conservation, physicochemical variation, residue mobility, and thermodynamic stability) has been performed for this missense variant. However, the output from this modeling did not meet the statistical confidence thresholds required to predict the impact of this variant on ANO5 protein function. In summary, the available evidence is currently insufficient to determine the role of this variant in disease. Therefore, it has been classified as a Variant of Uncertain Significance.

Revvity Omics, Revvity
Classification: Uncertain significance. Last evaluated: 2019-08-23. Review status: criteria provided, single submitter. Criteria: ACMG Guidelines, 2015. Collection method: clinical testing. Allele origin: germline.